The following is an entry in ClinVar:

ClinVar aggregate classification (germline): Uncertain significance (1 of 4 stars; one submission).

Conditions:
Tuberous sclerosis 1 (TSC1). Identifiers: Orphanet 805, MedGen C1854465, MONDO:0008612, OMIM 191100.

Submission:

Labcorp Genetics (formerly Invitae), Labcorp
Classification: Uncertain significance for Tuberous sclerosis 1. Last evaluated: 2023-04-09. Review status: criteria provided, single submitter. Criteria: Invitae Variant Classification Sherloc (09022015). Collection method: clinical testing. Allele origin: germline.
Comment: In summary, the available evidence is currently insufficient to determine the role of this variant in disease. Therefore, it has been classified as a Variant of Uncertain Significance. Advanced modeling of protein sequence and biophysical properties (such as structural, functional, and spatial information, amino acid conservation, physicochemical variation, residue mobility, and thermodynamic stability) performed at Invitae indicates that this missense variant is not expected to disrupt TSC1 protein function. This variant has not been reported in the literature in individuals affected with TSC1-related conditions. This variant is not present in population databases (gnomAD no frequency). This sequence change replaces histidine, which is basic and polar, with tyrosine, which is neutral and polar, at codon 660 of the TSC1 protein (p.His660Tyr).

NM_000368.5(TSC1):c.1978C>T (p.His660Tyr)

Gene: TSC1 (TSC complex subunit 1; minus strand). Cytogenetic location: 9q34.13.
Variant type: single nucleotide variant.
Coding change: c.1978C>T on transcript NM_000368.5 (MANE Select); coding-DNA position 1978, C replaced by T.
Protein change: p.His660Tyr; replaces histidine 660 with tyrosine.
Molecular consequence: missense variant. On other transcripts: non-coding transcript variant (5).
Genome position (GRCh38, 1-based): chr9:132,905,600, G>A on the plus strand (C>T on the coding strand, the complement: TSC1 is on the minus strand). VCF-style: chr9-132905600-G-A. GRCh37 (hg19) VCF-style: chr9-135780987-G-A.
Other names: c.1975C>T, p.His659Tyr (NM_001162426.2, NM_001406597.1, NM_001406608.1 and 6 more transcripts); c.1825C>T, p.His609Tyr (NM_001162427.2, NM_001406610.1); c.1615C>T, p.His539Tyr (NM_001362177.2, NM_001406614.1, NM_001406615.1 and 5 more transcripts); c.1978C>T, p.His660Tyr (NM_001406592.1, NM_001406593.1, NM_001406594.1 and 7 more transcripts); c.1822C>T, p.His608Tyr (NM_001406611.1, NM_001406612.1, NM_001406613.1); c.1024C>T, p.His342Tyr (NM_001406627.1, NM_001406628.1); c.925C>T, p.His309Tyr (NM_001406629.1, NM_001406630.1); c.1612C>T, p.His538Tyr (NM_001406620.1, NM_001406621.1, NM_001406622.1 and 2 more transcripts); and 1 more; short protein forms H539Y, H309Y, H342Y, H343Y, H608Y, H538Y, H609Y, H659Y.
Identifiers: ClinVar variation 2854139 (VCV002854139.3), dbSNP rs2131808269, ClinGen allele CA375362299.